The following is an entry in ClinVar:

NM_015662.3(IFT172):c.1638G>A (p.Leu546=)

Gene: IFT172 (intraflagellar transport 172; minus strand). Cytogenetic location: 2p23.3.
Variant type: single nucleotide variant.
Coding change: c.1638G>A on transcript NM_015662.3 (MANE Select); coding-DNA position 1638, G replaced by A.
Protein change: p.Leu546=; no amino-acid change (leucine 546 retained).
Molecular consequence: synonymous variant.
Genome position (GRCh38, 1-based): chr2:27,470,982, C>T on the plus strand (G>A on the coding strand, the complement: IFT172 is on the minus strand). VCF-style: chr2-27470982-C-T. GRCh37 (hg19) VCF-style: chr2-27693849-C-T.
Identifiers: ClinVar variation 508809 (VCV000508809.9), dbSNP rs372659702, ClinGen allele CA1580579.

ClinVar aggregate classification (germline): Likely benign. Review status: criteria provided, multiple submitters, no conflicts (2 of 4 stars). 2 submissions from 2 submitters: Likely benign (2). Last evaluated 2023-03-14.

Conditions:
Short-rib thoracic dysplasia 10 with or without polydactyly (SRTD10). Identifiers: Orphanet 474, MedGen C3810175, MONDO:0014284, OMIM 615630.
Retinitis pigmentosa 71 (RP71). Identifiers: Orphanet 791, MedGen C4225342, MONDO:0014618, OMIM 616394.

Allele frequency attached by ClinVar (database versions not stated): gnomAD exomes below 0.00001 and 0.00001; ExAC 0.00001; gnomAD 0.00002 and 0.00003; TOPMed 0.00002; ESP Exome Variant Server 0.00008.

Submissions (2):

Labcorp Genetics (formerly Invitae), Labcorp
Classification: Likely benign for Retinitis pigmentosa 71; Short-rib thoracic dysplasia 10 with or without polydactyly. Last evaluated: 2023-03-14. Review status: criteria provided, single submitter. Criteria: Invitae Variant Classification Sherloc (09022015). Collection method: clinical testing. Allele origin: germline.

GeneDx
Classification: Likely benign. Last evaluated: 2017-04-12. Review status: criteria provided, single submitter. Criteria: GeneDx Variant Classification (06012015). Collection method: clinical testing. Allele origin: germline. Affected: yes.
Comment: This variant is considered likely benign or benign based on one or more of the following criteria: it is a conservative change, it occurs at a poorly conserved position in the protein, it is predicted to be benign by multiple in silico algorithms, and/or has population frequency not consistent with disease.